The following is an entry in ClinVar:

ClinVar aggregate classification (germline): Pathogenic (1 of 4 stars; one submission).

Submission:

Labcorp Genetics (formerly Invitae), Labcorp
Classification: Pathogenic. Last evaluated: 2022-09-26. Review status: criteria provided, single submitter. Criteria: Invitae Variant Classification Sherloc (09022015). Collection method: clinical testing. Allele origin: germline.
Comment: This sequence change creates a premature translational stop signal (p.Glu779*) in the COL11A1 gene. It is expected to result in an absent or disrupted protein product. Loss-of-function variants in COL11A1 are known to be pathogenic (PMID: 20513134, 21035103, 23922384, 25240749, 32427345, 32756486). This variant is not present in population databases (gnomAD no frequency). This variant has not been reported in the literature in individuals affected with COL11A1-related conditions. Algorithms developed to predict the effect of sequence changes on RNA splicing suggest that this variant may disrupt the consensus splice site. For these reasons, this variant has been classified as Pathogenic.

Literature cited by the submitters: PubMed 20513134; PubMed 21035103; PubMed 23922384; PubMed 25240749; PubMed 32427345; PubMed 32756486.

NM_001854.4(COL11A1):c.2335G>T (p.Glu779Ter)

Gene: COL11A1 (collagen type XI alpha 1 chain; minus strand). Cytogenetic location: 1p21.1.
Variant type: single nucleotide variant.
Coding change: c.2335G>T on transcript NM_001854.4 (MANE Select); coding-DNA position 2335, G replaced by T.
Protein change: p.Glu779Ter; replaces glutamic acid 779 with a stop codon.
Molecular consequence: nonsense. On other transcripts: non-coding transcript variant (1).
Genome position (GRCh38, 1-based): chr1:102,995,869, C>A on the plus strand (G>T on the coding strand, the complement: COL11A1 is on the minus strand). VCF-style: chr1-102995869-C-A. GRCh37 (hg19) VCF-style: chr1-103461425-C-A.
Other names: c.1987G>T, p.Glu663Ter (NM_001168249.1, NM_080630.4); c.2218G>T, p.Glu740Ter (NM_001190709.2); c.2371G>T, p.Glu791Ter (NM_080629.3); short protein forms E791*, E779*, E740*, E663*.
Identifiers: ClinVar variation 2027088 (VCV002027088.4), dbSNP rs2525285938, ClinGen allele CA341168563.